The following is an entry in ClinVar:

ClinVar aggregate classification (germline): Uncertain significance (1 of 4 stars; one submission).

Conditions:
Hypertrophic cardiomyopathy 19. Also called: Familial hypertrophic cardiomyopathy 19. Identifiers: MedGen CN077603, MONDO:0013476.

Allele frequency attached by ClinVar (database versions not stated): gnomAD exomes 0.00001.
gnomAD v4.1: 18 of 1,613,948 alleles (0.0011%); highest among the groups gnomAD compares: Non-Finnish European, 0.0015%; no homozygotes.

Submission:

Labcorp Genetics (formerly Invitae), Labcorp
Classification: Uncertain significance for Hypertrophic cardiomyopathy 19. Last evaluated: 2022-10-24. Review status: criteria provided, single submitter. Criteria: Invitae Variant Classification Sherloc (09022015). Collection method: clinical testing. Allele origin: germline.
Comment: This variant is present in population databases (no rsID available, gnomAD 0.002%). In summary, the available evidence is currently insufficient to determine the role of this variant in disease. Therefore, it has been classified as a Variant of Uncertain Significance. Advanced modeling of protein sequence and biophysical properties (such as structural, functional, and spatial information, amino acid conservation, physicochemical variation, residue mobility, and thermodynamic stability) performed at Invitae indicates that this missense variant is expected to disrupt CALR3 protein function. ClinVar contains an entry for this variant (Variation ID: 1400864). This variant has not been reported in the literature in individuals affected with CALR3-related conditions. This sequence change replaces tyrosine, which is neutral and polar, with cysteine, which is neutral and slightly polar, at codon 182 of the CALR3 protein (p.Tyr182Cys).

NM_145046.5(CALR3):c.545A>G (p.Tyr182Cys)

Gene: CALR3 (calreticulin 3; minus strand). Cytogenetic location: 19p13.11.
Variant type: single nucleotide variant.
Coding change: c.545A>G on transcript NM_145046.5 (MANE Select); coding-DNA position 545, A replaced by G.
Protein change: p.Tyr182Cys; replaces tyrosine 182 with cysteine.
Molecular consequence: missense variant.
Genome position (GRCh38, 1-based): chr19:16,484,063, T>C on the plus strand (A>G on the coding strand, the complement: CALR3 is on the minus strand). VCF-style: chr19-16484063-T-C. GRCh37 (hg19) VCF-style: chr19-16594874-T-C.
Other names: short protein forms Y182C.
Identifiers: ClinVar variation 1400864 (VCV001400864.6), dbSNP rs1035181108, ClinGen allele CA305982667.